The following is an entry in ClinVar:

NM_001134363.3(RBM20):c.3455T>G (p.Val1152Gly)

Gene: RBM20 (RNA binding motif protein 20; plus strand). Cytogenetic location: 10q25.2.
Variant type: single nucleotide variant.
Coding change: c.3455T>G on transcript NM_001134363.3 (MANE Select); coding-DNA position 3455, T replaced by G.
Protein change: p.Val1152Gly; replaces valine 1152 with glycine.
Molecular consequence: missense variant.
Genome position (GRCh38, 1-based): chr10:110,831,064, T>G. VCF-style: chr10-110831064-T-G. GRCh37 (hg19) VCF-style: chr10-112590822-T-G.
Other names: short protein forms V1152G.
Identifiers: ClinVar variation 2866309 (VCV002866309.3), dbSNP rs2493514679, ClinGen allele CA378386335.

ClinVar aggregate classification (germline): Uncertain significance (1 of 4 stars; one submission).

Conditions:
Dilated cardiomyopathy 1DD (CMD1DD). Identifiers: Orphanet 154, MedGen C2750995, MONDO:0013168, OMIM 613172.

Submission:

Labcorp Genetics (formerly Invitae), Labcorp
Classification: Uncertain significance for Dilated cardiomyopathy 1DD. Last evaluated: 2023-10-14. Review status: criteria provided, single submitter. Criteria: Invitae Variant Classification Sherloc (09022015). Collection method: clinical testing. Allele origin: germline.
Comment: This sequence change replaces valine, which is neutral and non-polar, with glycine, which is neutral and non-polar, at codon 1152 of the RBM20 protein (p.Val1152Gly). This variant is not present in population databases (gnomAD no frequency). This variant has not been reported in the literature in individuals affected with RBM20-related conditions. Advanced modeling of protein sequence and biophysical properties (such as structural, functional, and spatial information, amino acid conservation, physicochemical variation, residue mobility, and thermodynamic stability) has been performed at Invitae for this missense variant, however the output from this modeling did not meet the statistical confidence thresholds required to predict the impact of this variant on RBM20 protein function. In summary, the available evidence is currently insufficient to determine the role of this variant in disease. Therefore, it has been classified as a Variant of Uncertain Significance.